The following is an entry in ClinVar:

ClinVar aggregate classification (germline): Pathogenic/Likely pathogenic. Review status: criteria provided, multiple submitters, no conflicts (2 of 4 stars). 7 submissions from 6 submitters: Pathogenic (2); Likely pathogenic (2). 3 of the submissions do not count toward it. Last evaluated 2026-01-27.

Conditions:
MBD4-related disorder. Also called: MBD4-related condition.
Inborn genetic diseases. Identifiers: MedGen C0950123, MeSH D030342.
Tumor predisposition syndrome 2 (TPDS2). Also called: MBD4-Related Tumor Predisposition Syndrome; MBD4-ASSOCIATED NEOPLASIA SYNDROME; MBD4-associated neoplasia syndrome (MANS). Identifiers: Orphanet 661526, MedGen C5774186, MONDO:0859267, OMIM 619975.
Melanoma, uveal, susceptibility to, 1 (UVM1). Identifiers: Orphanet 39044, MedGen C1847724, MONDO:0011695, OMIM 606660. Disease mechanism: loss of function.

Allele frequency attached by ClinVar (database versions not stated): ExAC 0.00004; gnomAD 0.00004 and 0.00005; gnomAD exomes 0.00004 and 0.00007; TOPMed 0.00006.

Submissions (9):

Labcorp Genetics (formerly Invitae), Labcorp
Classification: Pathogenic. Last evaluated: 2026-01-27. Review status: criteria provided, single submitter. Criteria: Invitae Variant Classification Sherloc (09022015). Collection method: clinical testing. Allele origin: germline.
Comment: This sequence change affects an acceptor splice site in intron 6 of the MBD4 gene. RNA analysis indicates that disruption of this splice site induces altered splicing and may result in an absent or altered protein product. This variant is present in population databases (rs778697654, gnomAD 0.01%). Disruption of this splice site has been observed in individuals with MBD4-related conditions (PMID: 29760383, 30049810, 32239153, 35460607, 38060262, 40605265). This variant is also known as c.1544-1G>T. ClinVar contains an entry for this variant (Variation ID: 1700251). Studies have shown that disruption of this splice site results in skipping of exon 7, and produces a non-functional protein and/or introduces a premature termination codon (PMID: 29760383). For these reasons, this variant has been classified as Pathogenic.

Ambry Genetics
Classification: Likely pathogenic for Inborn genetic diseases. Last evaluated: 2025-12-17. Review status: criteria provided, single submitter. Criteria: Ambry Variant Classification Scheme 2023. Collection method: clinical testing. Allele origin: germline.
Comment: The c.1544-1G>T intronic variant results from a G to T substitution one nucleotide upstream from coding exon 7 of the MBD4 gene. This alteration occurs at the 3' terminus of the gene, is not expected to trigger nonsense-mediated mRNA decay, and only impacts the last 10.6% of the protein. The exact functional effect of this alteration is unknown; however, a significant portion of the protein is affected (Ambry internal data). This variant (also described as c.1562-1G>T in the literature) has been identified in the homozygous state and/or in conjunction with other MBD4 variant(s) in individual(s) with features consistent with MBD4-associated neoplasia syndrome (Sanders MA et al. Blood, 2018 Oct;132:1526-1534; Palles C et al. Am J Hum Genet, 2022 May;109:953-960). This nucleotide position is highly conserved in available vertebrate species. In silico splice site analysis predicts that this alteration will weaken the native splice acceptor site. RNA studies have demonstrated that this alteration results in abnormal splicing in the set of samples tested (Ambry internal data). Based on the majority of available evidence to date, this variant is likely to be pathogenic.

CeGaT Center for Human Genetics Tuebingen
Classification: Pathogenic. Last evaluated: 2025-09-01. Review status: criteria provided, single submitter. Criteria: CeGaT Center For Human Genetics Tuebingen Variant Classification Criteria Version 2. Collection method: clinical testing. Allele origin: germline. Affected: yes. Observed: 1 variant allele.
Comment: MBD4: PVS1, PS4

Institute for Genomic Medicine (IGM) Clinical Laboratory, Nationwide Children's Hospital
Classification: Likely pathogenic for Tumor predisposition syndrome 2. Last evaluated: 2024-08-22. Review status: criteria provided, single submitter. Criteria: ACMG Guidelines, 2015. Collection method: clinical testing. Allele origin: germline.
Comment: This variant is predicted to result in loss of function through nonsense-mediated decay of the encoded transcript or premature truncation of the encoded protein in a gene in which loss of function is a known mechanism of disease (ACMG/AMP: PVS1_Strong; PMIDs:32239153, 35460607). This variant has been reported at an elevated frequency in affected individuals/in multiple affected individuals in the literature (ACMG/AMP: PS4_Moderate; PMIDs:29760383, 32239153, 35460607).

PreventionGenetics, part of Exact Sciences
Classification: Likely pathogenic for MBD4-related condition. Last evaluated: 2024-04-04. Review status: no assertion criteria provided. Collection method: clinical testing. Allele origin: germline. Not counted in ClinVar's aggregate classification.
Comment: The MBD4 c.1562-1G>T variant is predicted to disrupt the AG splice acceptor site and interfere with normal splicing. This variant was reported in the compound heterozygous state along with a second pathogenic variant in two patients with acute myeloid leukemia, one of which was later reported to also have colorectal cancer (Table S2, Figure S2, Sanders et al. 2018. PubMed ID: 30049810; Palles et al. 2022. PubMed ID: 35460607). This variant was reported in a patient with glioblastoma and a loss of the wildtype allele in the somatic tumor due to tumor monosomy (Rodrigues et al 2018. PubMed ID: 29760383). This variant was also reported without information on a second potentially causative variant in two patients with uveal melanoma and serous ovarian cancer, respectively (Table S2, Sanders et al. 2018. PubMed ID: 30049810). RNA-sequencing showed this variant causes skipping of exon 7 resulting in a frameshift (Rodrigues et al 2018. PubMed ID: 29760383). This variant is reported in 0.014% of alleles in individuals of Latino descent in gnomAD. This variant is interpreted as likely pathogenic.

OMIM
Classification: Pathogenic for TUMOR PREDISPOSITION SYNDROME 2. Last evaluated: 2022-08-08. Review status: no assertion criteria provided. Collection method: literature only. Allele origin: unknown. Not counted in ClinVar's aggregate classification.

OMIM
Classification: risk factor for MELANOMA, UVEAL, SUSCEPTIBILITY TO, 1. Last evaluated: 2022-08-08. Review status: no assertion criteria provided. Collection method: literature only. Allele origin: unknown. Not counted in ClinVar's aggregate classification.

Dr. Peter K. Rogan Lab, Western University
No classification provided (evidence only). Condition: Ovarian serous cystadenocarcinoma. Review status: no classification provided. Collection method: in vitro. Allele origin: not applicable. Functional consequence: retained intron. Not counted in ClinVar's aggregate classification.

Dr. Peter K. Rogan Lab, Western University
No classification provided (evidence only). Condition: Uveal melanoma. Review status: no classification provided. Collection method: in vitro. Allele origin: not applicable. Functional consequence: skipped exon. Not counted in ClinVar's aggregate classification.

Literature cited by the submitters: PubMed 29760383 (cited by 3 submitters); PubMed 30049810 (cited by 3 submitters); PubMed 32239153 (cited by 3 submitters); PubMed 35460607 (cited by 4 submitters); PubMed 38060262 (cited by Labcorp Genetics (formerly Invitae), Labcorp); PubMed 40605265 (cited by Labcorp Genetics (formerly Invitae), Labcorp).

NM_001276270.2(MBD4):c.1544-1G>T

Gene: MBD4 (methyl-CpG binding domain 4, DNA glycosylase; minus strand). Cytogenetic location: 3q21.3.
Variant type: single nucleotide variant.
Coding change: c.1544-1G>T on transcript NM_001276270.2 (MANE Select); the canonical splice acceptor site of the intron before coding-DNA position 1544, G replaced by T.
Molecular consequence: splice acceptor variant.
Genome position (GRCh38, 1-based): chr3:129,432,607, C>A on the plus strand (G>T on the coding strand, the complement: MBD4 is on the minus strand). VCF-style: chr3-129432607-C-A. GRCh37 (hg19) VCF-style: chr3-129151450-C-A.
Other names: IVS7AS, G-T, -1 (rs778697654); c.608-1G>T (NM_001276273.2); c.1562-1G>T (NM_001276272.2, NM_003925.3, NM_001276271.2).
Identifiers: ClinVar variation 1700251 (VCV001700251.15), dbSNP rs778697654, ClinGen allele CA2605260.